The following is an entry in ClinVar:

ClinVar aggregate classification (germline): Likely pathogenic (1 of 4 stars; one submission).

Conditions:
Autosomal recessive mendelian susceptibility to mycobacterial diseases due to complete RORgamma receptor deficiency. Also called: Immunodeficiency 42. Identifiers: Orphanet 477857, MedGen C5567647, MONDO:0014710, OMIM 616622.

Submission:

Labcorp Genetics (formerly Invitae), Labcorp
Classification: Likely pathogenic for Autosomal recessive mendelian susceptibility to mycobacterial diseases due to complete RORgamma receptor deficiency. Last evaluated: 2020-04-27. Review status: criteria provided, single submitter. Criteria: Invitae Variant Classification Sherloc (09022015). Collection method: clinical testing. Allele origin: germline.
Comment: Donor and acceptor splice site variants typically lead to a loss of protein function (PMID: 16199547), and loss-of-function variants in RORC are known to be pathogenic (PMID: 26160376). Algorithms developed to predict the effect of sequence changes on RNA splicing suggest that this variant may disrupt the consensus splice site, but this prediction has not been confirmed by published transcriptional studies. This variant has not been reported in the literature in individuals with RORC-related conditions. This variant is not present in population databases (ExAC no frequency). This sequence change affects an acceptor splice site in intron 6 of the RORC gene. It is expected to disrupt RNA splicing and likely results in an absent or disrupted protein product. In summary, the currently available evidence indicates that the variant is pathogenic, but additional data are needed to prove that conclusively. Therefore, this variant has been classified as Likely Pathogenic.

Literature cited by the submitters: PubMed 16199547; PubMed 26160376.

NM_005060.4(RORC):c.934-1G>A

Gene: RORC (RAR related orphan receptor C; minus strand). Cytogenetic location: 1q21.3.
Variant type: single nucleotide variant.
Coding change: c.934-1G>A on transcript NM_005060.4 (MANE Select); the canonical splice acceptor site of the intron before coding-DNA position 934, G replaced by A.
Molecular consequence: splice acceptor variant.
Genome position (GRCh38, 1-based): chr1:151,813,621, C>T on the plus strand (G>A on the coding strand, the complement: RORC is on the minus strand). VCF-style: chr1-151813621-C-T. GRCh37 (hg19) VCF-style: chr1-151786097-C-T.
Other names: c.871-1G>A (NM_001001523.2).
Identifiers: ClinVar variation 1068314 (VCV001068314.7), dbSNP rs2101656625, ClinGen allele CA342013238.